The following is an entry in ClinVar:

NM_000465.4(BARD1):c.1795G>A (p.Glu599Lys)

Gene: BARD1 (BRCA1 associated RING domain 1; minus strand). Cytogenetic location: 2q35.
Variant type: single nucleotide variant.
Coding change: c.1795G>A on transcript NM_000465.4 (MANE Select); coding-DNA position 1795, G replaced by A.
Protein change: p.Glu599Lys; replaces glutamic acid 599 with lysine.
Molecular consequence: missense variant. On other transcripts: non-coding transcript variant (3), intron variant (1).
Genome position (GRCh38, 1-based): chr2:214,745,737, C>T on the plus strand (G>A on the coding strand, the complement: BARD1 is on the minus strand). VCF-style: chr2-214745737-C-T. GRCh37 (hg19) VCF-style: chr2-215610461-C-T.
Other names: c.1738G>A, p.Glu580Lys (NM_001282543.2); c.442G>A, p.Glu148Lys (NM_001282545.2); c.385G>A, p.Glu129Lys (NM_001282548.2); c.365-15229G>A (NM_001282549.2); c.1795G>A (NM_000465.2); short protein forms E599K, E580K, E148K, E129K.
Identifiers: ClinVar variation 490948 (VCV000490948.16), dbSNP rs1553615104, ClinGen allele CA350452560.

ClinVar aggregate classification (germline): Uncertain significance. Review status: criteria provided, multiple submitters, no conflicts (2 of 4 stars). 3 submissions from 3 submitters: Uncertain significance (3). Last evaluated 2023-10-06.

Conditions:
Hereditary cancer-predisposing syndrome. Also called: Hereditary Cancer Syndrome; Neoplastic Syndromes, Hereditary; Tumor predisposition; Hereditary neoplastic syndrome. Identifiers: Orphanet 140162, MedGen C0027672, MeSH D009386, MONDO:0015356.
Familial cancer of breast. Also called: Hereditary breast cancer; BREAST CANCER, FAMILIAL; hereditary breast carcinoma. Identifiers: Orphanet 227535, MedGen C0346153, MONDO:0016419, OMIM 114480. Disease mechanism: loss of function.

Submissions (3):

Labcorp Genetics (formerly Invitae), Labcorp
Classification: Uncertain significance for Familial cancer of breast. Last evaluated: 2023-10-06. Review status: criteria provided, single submitter. Criteria: Invitae Variant Classification Sherloc (09022015). Collection method: clinical testing. Allele origin: germline.
Comment: This sequence change replaces glutamic acid, which is acidic and polar, with lysine, which is basic and polar, at codon 599 of the BARD1 protein (p.Glu599Lys). This variant is not present in population databases (gnomAD no frequency). This missense change has been observed in individual(s) with Lynch syndrome (PMID: 25980754). ClinVar contains an entry for this variant (Variation ID: 490948). An algorithm developed to predict the effect of missense changes on protein structure and function (PolyPhen-2) suggests that this variant is likely to be disruptive. In summary, the available evidence is currently insufficient to determine the role of this variant in disease. Therefore, it has been classified as a Variant of Uncertain Significance.

Ambry Genetics
Classification: Uncertain significance for Hereditary cancer-predisposing syndrome. Last evaluated: 2023-07-25. Review status: criteria provided, single submitter. Criteria: Ambry Variant Classification Scheme 2023. Collection method: clinical testing. Allele origin: germline.
Comment: The p.E599K variant (also known as c.1795G>A), located in coding exon 8 of the BARD1 gene, results from a G to A substitution at nucleotide position 1795. The glutamic acid at codon 599 is replaced by lysine, an amino acid with similar properties. This amino acid position is highly conserved in available vertebrate species. In addition, the in silico prediction for this alteration is inconclusive. Since supporting evidence is limited at this time, the clinical significance of this alteration remains unclear.

Color Diagnostics, LLC DBA Color Health
Classification: Uncertain significance for Hereditary cancer-predisposing syndrome. Last evaluated: 2019-03-19. Review status: criteria provided, single submitter. Criteria: ACMG Guidelines, 2015. Collection method: clinical testing. Allele origin: germline.

Literature cited by the submitters: PubMed 25980754 (cited by Labcorp Genetics (formerly Invitae), Labcorp).